The following is an entry in ClinVar:

NM_000132.4(F8):c.4694_4697dup (p.Arg1567fs)

Gene: F8 (coagulation factor VIII; minus strand). Cytogenetic location: Xq28.
Variant type: Duplication.
Coding change: c.4694_4697dup on transcript NM_000132.4 (MANE Select); coding-DNA positions 4694 to 4697, 4 bases duplicated (TTCT; older notation c.4694_4697dupTTCT).
Protein change: p.Arg1567fs; shifts the reading frame from arginine 1567.
Molecular consequence: frameshift variant.
Genome position (GRCh38, 1-based): chrX:154,929,093-154,929,096, AGAA duplicated on the plus strand (TTCT on the coding strand, the reverse complement: F8 is on the minus strand); duplicating any 4 consecutive bases within chrX:154,929,093-154,929,098 gives the same sequence; the c. name uses the placement nearest the transcript's 3' end. VCF-style (leftmost placement, unchanged base first): chrX-154929092-C-CAGAA. GRCh37 (hg19) VCF-style: chrX-154157367-C-CAGAA.
Other names: short protein forms R1567fs.
Identifiers: ClinVar variation 3900648 (VCV003900648.1).
Genomic context (GRCh38, chrX:154,929,092, plus strand): 5'-CCAAGCAAGAGGATCCAATAGCTTGGAGGGAGTCTTTGCAGAGCTTTCTGTTGCTACTCT[C>CAGAA]AGAAAGGGAACTTTTCCAGGTCTGTTTGCTTCATTCCACTTAATCGCTCCCTCTGTTCCC-3'

ClinVar aggregate classification (germline): Likely pathogenic (1 of 4 stars; one submission).

Conditions:
Hereditary factor VIII deficiency disease (HEMA). Also called: HEMOPHILIA, CLASSIC; AUTOSOMAL HEMOPHILIA A; Hemophilia A; Hemophilia A, congenital; HEM A; Factor 8 deficiency, congenital. Identifiers: Orphanet 98878, MedGen C0019069, MONDO:0010602, OMIM 306700.

Submission:

CGC Genetics, Unilabs
Classification: Likely pathogenic for Hereditary factor VIII deficiency disease. Last evaluated: 2025-04-15. Review status: criteria provided, single submitter. Criteria: ACMG Guidelines, 2015. Collection method: clinical testing. Allele origin: germline. Inheritance: X-linked recessive inheritance. Affected: yes.
Comment: The NM_000132.4:c.4694_4697dup p.(Arg1567Serfs*23) variant, detected in heterozygosity in the F8 gene (chr.X), has not been described in the literature nor reported in the gnomAD or ClinVar databases. This is a frameshift variant, located in exon 14 (gene with 26 exons), which leads to the introduction of a premature stop codon, which in turn will give rise to a truncated protein and/or a reduction in its expression due to mRNA degradation. With the currently available information, this should be classified as a likely pathogenic variant.